The following is an entry in ClinVar:

NM_003924.4(PHOX2B):c.320G>C (p.Ser107Thr)

Gene: PHOX2B (paired like homeobox 2B; minus strand). Cytogenetic location: 4p13.
Variant type: single nucleotide variant.
Coding change: c.320G>C on transcript NM_003924.4 (MANE Select); coding-DNA position 320, G replaced by C.
Protein change: p.Ser107Thr; replaces serine 107 with threonine.
Molecular consequence: missense variant.
Genome position (GRCh38, 1-based): chr4:41,747,458, C>G on the plus strand (G>C on the coding strand, the complement: PHOX2B is on the minus strand). VCF-style: chr4-41747458-C-G. GRCh37 (hg19) VCF-style: chr4-41749475-C-G.
Other names: short protein forms S107T.
Identifiers: ClinVar variation 3888483 (VCV003888483.1).

ClinVar aggregate classification (germline): Uncertain significance (1 of 4 stars; one submission).

Conditions:
Hereditary cancer-predisposing syndrome. Also called: Tumor predisposition; Neoplastic Syndromes, Hereditary; Hereditary Cancer Syndrome; Hereditary neoplastic syndrome. Identifiers: Orphanet 140162, MedGen C0027672, MeSH D009386, MONDO:0015356.

Submission:

Ambry Genetics
Classification: Uncertain significance for Hereditary cancer-predisposing syndrome. Last evaluated: 2025-02-14. Review status: criteria provided, single submitter. Criteria: Ambry Variant Classification Scheme 2023. Collection method: clinical testing. Allele origin: germline.
Comment: The p.S107T variant (also known as c.320G>C), located in coding exon 2 of the PHOX2B gene, results from a G to C substitution at nucleotide position 320. The serine at codon 107 is replaced by threonine, an amino acid with similar properties. This amino acid position is conserved. In addition, the in silico prediction for this alteration is inconclusive. Based on the available evidence, the clinical significance of this variant remains unclear.